The following is an entry in ClinVar:

ClinVar aggregate classification (germline): Uncertain significance (1 of 4 stars; one submission).

Conditions:
Polyglandular autoimmune syndrome, type 1 (APS1). Also called: AUTOIMMUNE POLYENDOCRINE SYNDROME, TYPE I, WITH OR WITHOUT REVERSIBLE METAPHYSEAL DYSPLASIA; HYPOADRENOCORTICISM WITH HYPOPARATHYROIDISM AND SUPERFICIAL MONILIASIS; Autoimmune polyendocrine syndrome type 1; Autoimmune polyendocrinopathy syndrome, type I; PGA I; Whitaker syndrome. Identifiers: Orphanet 3453, MedGen C0085859, MONDO:0009411, OMIM 240300.

gnomAD v4.1: 1 of 1,611,450 alleles (0.000062%); highest among the groups gnomAD compares: Non-Finnish European, 0.000085%; no homozygotes.

Submission:

Labcorp Genetics (formerly Invitae), Labcorp
Classification: Uncertain significance for Polyglandular autoimmune syndrome, type 1. Last evaluated: 2025-06-01. Review status: criteria provided, single submitter. Criteria: Invitae Variant Classification Sherloc (09022015). Collection method: clinical testing. Allele origin: germline.
Comment: This sequence change replaces histidine, which is basic and polar, with aspartic acid, which is acidic and polar, at codon 396 of the AIRE protein (p.His396Asp). This variant is not present in population databases (gnomAD no frequency). This variant has not been reported in the literature in individuals affected with AIRE-related conditions. Invitae Evidence Modeling of protein sequence and biophysical properties (such as structural, functional, and spatial information, amino acid conservation, physicochemical variation, residue mobility, and thermodynamic stability) indicates that this missense variant is not expected to disrupt AIRE protein function with a negative predictive value of 95%. In summary, the available evidence is currently insufficient to determine the role of this variant in disease. Therefore, it has been classified as a Variant of Uncertain Significance.

NM_000383.4(AIRE):c.1186C>G (p.His396Asp)

Gene: AIRE (autoimmune regulator; plus strand). Cytogenetic location: 21q22.3.
Variant type: single nucleotide variant.
Coding change: c.1186C>G on transcript NM_000383.4 (MANE Select); coding-DNA position 1186, C replaced by G.
Protein change: p.His396Asp; replaces histidine 396 with aspartic acid.
Molecular consequence: missense variant.
Genome position (GRCh38, 1-based): chr21:44,293,083, C>G. VCF-style: chr21-44293083-C-G. GRCh37 (hg19) VCF-style: chr21-45712966-C-G.
Other names: short protein forms H396D.
Identifiers: ClinVar variation 4706704 (VCV004706704.1).
Genomic context (GRCh38, chr21:44,293,083, plus strand): 5'-GAGGTAAGAGGTCCACCTGGGGAACCCCTAGCCGGCATGGACACGACTCTTGTCTACAAG[C>G]ACCTGCCGGCTCCGCCTTCTGCAGCCCCGCTGCCAGGGCTGGACTCCTCGGCCCTGCACC-3'
Protein context (NP_000374.1, residues 386-406): AGMDTTLVYK[His396Asp]LPAPPSAAPL